The following is an entry in ClinVar:

ClinVar aggregate classification (germline): Uncertain significance. Review status: criteria provided, multiple submitters, no conflicts (2 of 4 stars). 3 submissions from 3 submitters: Uncertain significance (3). Last evaluated 2026-09-09.

Conditions:
Ellis-van Creveld syndrome (EVC). Also called: MESOECTODERMAL DYSPLASIA; Chondroectodermal dysplasia. Identifiers: Orphanet 289, MedGen C0013903, MONDO:0009162, OMIM 225500.
Curry-Hall syndrome (WAD). Also called: WEYERS ACRODENTAL DYSOSTOSIS. Identifiers: Orphanet 952, MedGen C0457013, MONDO:0008673, OMIM 193530.
EVC2-related disorder. Also called: EVC2-related condition.

Allele frequency attached by ClinVar (database versions not stated): gnomAD exomes below 0.00001.
gnomAD v4.1: 3 of 1,614,186 alleles (0.00019%); highest among the groups gnomAD compares: East Asian, 0.0022%; no homozygotes.

Submissions (3):

PreventionGenetics, part of Exact Sciences
Classification: Uncertain significance for EVC2-related condition. Last evaluated: 2026-09-09. Review status: criteria provided, single submitter. Criteria: ACMG Guidelines, 2015. Collection method: clinical testing. Allele origin: germline.
Comment: The EVC2 c.2869G>C variant is predicted to result in the amino acid substitution p.Glu957Gln. To our knowledge, this variant has not been reported in the literature or in a large population database (gnomAD), indicating this variant is rare. At this time, the clinical significance of this variant is uncertain due to the absence of conclusive functional and genetic evidence.

Labcorp Genetics (formerly Invitae), Labcorp
Classification: Uncertain significance for Curry-Hall syndrome; Ellis-van Creveld syndrome. Last evaluated: 2025-12-16. Review status: criteria provided, single submitter. Criteria: Invitae Variant Classification Sherloc (09022015). Collection method: clinical testing. Allele origin: germline.
Comment: This sequence change replaces glutamic acid, which is acidic and polar, with glutamine, which is neutral and polar, at codon 957 of the EVC2 protein (p.Glu957Gln). This variant is not present in population databases (gnomAD no frequency). This variant has not been reported in the literature in individuals affected with EVC2-related conditions. ClinVar contains an entry for this variant (Variation ID: 1312919). An algorithm developed to predict the effect of missense changes on protein structure and function (PolyPhen-2) suggests that this variant is likely to be disruptive. In summary, the available evidence is currently insufficient to determine the role of this variant in disease. Therefore, it has been classified as a Variant of Uncertain Significance.

GeneDx
Classification: Uncertain significance. Last evaluated: 2020-07-07. Review status: criteria provided, single submitter. Criteria: GeneDx Variant Classification Process June 2021. Collection method: clinical testing. Allele origin: germline. Affected: yes.
Comment: Not observed in large population cohorts (Lek et al., 2016); In silico analysis supports that this missense variant does not alter protein structure/function; Has not been previously published as pathogenic or benign to our knowledge

NM_147127.5(EVC2):c.2869G>C (p.Glu957Gln)

Gene: EVC2 (EvC ciliary complex subunit 2; minus strand). Cytogenetic location: 4p16.2.
Variant type: single nucleotide variant.
Coding change: c.2869G>C on transcript NM_147127.5 (MANE Select); coding-DNA position 2869, G replaced by C.
Protein change: p.Glu957Gln; replaces glutamic acid 957 with glutamine.
Molecular consequence: missense variant.
Genome position (GRCh38, 1-based): chr4:5,584,811, C>G on the plus strand (G>C on the coding strand, the complement: EVC2 is on the minus strand). VCF-style: chr4-5584811-C-G. GRCh37 (hg19) VCF-style: chr4-5586538-C-G.
Other names: c.2629G>C, p.Glu877Gln (NM_001166136.2); short protein forms E877Q, E957Q.
Identifiers: ClinVar variation 1312919 (VCV001312919.4), dbSNP rs1560140198, ClinGen allele CA356155005.